The following is an entry in ClinVar:

NM_182961.4(SYNE1):c.16605G>A (p.Met5535Ile)

Gene: SYNE1 (spectrin repeat containing nuclear envelope protein 1; minus strand). Cytogenetic location: 6q25.2.
Variant type: single nucleotide variant.
Coding change: c.16605G>A on transcript NM_182961.4 (MANE Select); coding-DNA position 16605, G replaced by A.
Protein change: p.Met5535Ile; replaces methionine 5535 with isoleucine.
Molecular consequence: missense variant.
Genome position (GRCh38, 1-based): chr6:152,316,954, C>T on the plus strand (G>A on the coding strand, the complement: SYNE1 is on the minus strand). VCF-style: chr6-152316954-C-T. GRCh37 (hg19) VCF-style: chr6-152638089-C-T.
Other names: c.16392G>A, p.Met5464Ile (NM_033071.5); short protein forms M5464I, M5535I.
Identifiers: ClinVar variation 3571864 (VCV003571864.1).
Genomic context (GRCh38, chr6:152,316,954, plus strand): 5'-TGCAATAGTTCCATGAGCCAAGACTTTAGCTTTTTCAATCCACTTCAAAATTAATTCAAG[C>T]ATTTCATTGTATTCTTCTAAATGTGATGCTGCCTGAAAAACCAGTAACATTAATGTAACA-3'
Protein context (NP_892006.3, residues 5525-5545): AASHLEEYNE[Met5535Ile]LELILKWIEK

ClinVar aggregate classification (germline): Uncertain significance (1 of 4 stars; one submission).

gnomAD v4.1: 2 of 1,613,958 alleles (0.00012%); highest among the groups gnomAD compares: Non-Finnish European, 0.00017%; no homozygotes.

Submission:

Athena Diagnostics
Classification: Uncertain significance. Last evaluated: 2024-11-20. Review status: criteria provided, single submitter. Criteria: Athena Diagnostics Criteria. Collection method: clinical testing. Allele origin: unknown.
Comment: Available data are insufficient to determine the clinical significance of the variant at this time. The frequency of this variant in the general population is uninformative in assessment of its pathogenicity. Polyphen and MutationTaster predict this amino acid change may be benign.